The following is an entry in ClinVar:

NM_003900.5(SQSTM1):c.313T>G (p.Cys105Gly)

Gene: SQSTM1 (sequestosome 1; plus strand). Cytogenetic location: 5q35.3.
Variant type: single nucleotide variant.
Coding change: c.313T>G on transcript NM_003900.5 (MANE Select); coding-DNA position 313, T replaced by G.
Protein change: p.Cys105Gly; replaces cysteine 105 with glycine.
Molecular consequence: missense variant.
Genome position (GRCh38, 1-based): chr5:179,823,869, T>G. VCF-style: chr5-179823869-T-G. GRCh37 (hg19) VCF-style: chr5-179250869-T-G.
Other names: c.61T>G, p.Cys21Gly (NM_001142298.2, NM_001142299.2); short protein forms C21G, C105G.
Identifiers: ClinVar variation 2953245 (VCV002953245.3), dbSNP rs749114620, ClinGen allele CA3600465.

ClinVar aggregate classification (germline): Uncertain significance (1 of 4 stars; one submission).

Conditions:
Frontotemporal dementia and/or amyotrophic lateral sclerosis 1 (FTDALS1). Also called: Frontotemporal dementia with motor neuron disease 1; C9orf72 Frontotemporal Dementia and/or Amyotrophic Lateral Sclerosis. Identifiers: Orphanet 275872, MedGen C5779877, MONDO:0007105, OMIM 105550.
Paget disease of bone 2, early-onset (PDB2). Also called: Paget disease of bone 2. Identifiers: MedGen C4085251, MONDO:0011183, OMIM 602080.

Allele frequency attached by ClinVar (database versions not stated): gnomAD 0.00001; gnomAD exomes 0.00002; ExAC 0.00003.
gnomAD v4.1: 27 of 1,611,668 alleles (0.0017%); highest among the groups gnomAD compares: South Asian, 0.03%; 1 homozygote.

Submission:

Labcorp Genetics (formerly Invitae), Labcorp
Classification: Uncertain significance for Paget disease of bone 2, early-onset; Frontotemporal dementia and/or amyotrophic lateral sclerosis 1. Last evaluated: 2023-12-26. Review status: criteria provided, single submitter. Criteria: Invitae Variant Classification Sherloc (09022015). Collection method: clinical testing. Allele origin: germline.
Comment: This sequence change replaces cysteine, which is neutral and slightly polar, with glycine, which is neutral and non-polar, at codon 105 of the SQSTM1 protein (p.Cys105Gly). This variant is present in population databases (rs749114620, gnomAD 0.03%). This variant has not been reported in the literature in individuals affected with SQSTM1-related conditions. Advanced modeling of protein sequence and biophysical properties (such as structural, functional, and spatial information, amino acid conservation, physicochemical variation, residue mobility, and thermodynamic stability) performed at Invitae indicates that this missense variant is not expected to disrupt SQSTM1 protein function with a negative predictive value of 80%. In summary, the available evidence is currently insufficient to determine the role of this variant in disease. Therefore, it has been classified as a Variant of Uncertain Significance.